The following is an entry in ClinVar:

ClinVar aggregate classification (germline): Likely benign. Review status: criteria provided, multiple submitters, no conflicts (2 of 4 stars). 2 submissions from 2 submitters: Likely benign (2). Last evaluated 2026-01-12.

Conditions:
TTC21B-related disorder. Also called: TTC21B-related disorders; TTC21B-related condition.
Jeune thoracic dystrophy. Also called: Short-rib thoracic dysplasia; Jeune syndrome; Infantile thoracic dystrophy; Thoracic pelvic phalangeal dystrophy; Jeune's syndrome; Chondroectodermal dysplasia-like syndrome. Identifiers: Orphanet 474, MedGen C0265275, MONDO:0018770.
Nephronophthisis. Also called: Juvenile Nephronophthisis. Identifiers: Orphanet 655, MedGen C0687120, MONDO:0019005, HP:0000090.

Allele frequency attached by ClinVar (database versions not stated): ExAC 0.00001; gnomAD exomes 0.00002; gnomAD 0.00003; TOPMed 0.00003; ESP Exome Variant Server 0.00008.
gnomAD v4.1: 40 of 1,614,058 alleles (0.0025%); highest among the groups gnomAD compares: Non-Finnish European, 0.0032%; no homozygotes.

Submissions (2):

Labcorp Genetics (formerly Invitae), Labcorp
Classification: Likely benign for Jeune thoracic dystrophy; Nephronophthisis. Last evaluated: 2026-01-12. Review status: criteria provided, single submitter. Criteria: Invitae Variant Classification Sherloc (09022015). Collection method: clinical testing. Allele origin: germline.

PreventionGenetics, part of Exact Sciences
Classification: Likely benign for TTC21B-related condition. Last evaluated: 2024-11-11. Review status: criteria provided, single submitter. Criteria: ACMG Guidelines, 2015. Collection method: clinical testing. Allele origin: germline.
Comment: This variant is classified as likely benign based on ACMG/AMP sequence variant interpretation guidelines (Richards et al. 2015 PMID: 25741868, with internal and published modifications).

NM_024753.5(TTC21B):c.2721T>C (p.Tyr907=)

Gene: TTC21B (tetratricopeptide repeat domain 21B; minus strand). Cytogenetic location: 2q24.3.
Variant type: single nucleotide variant.
Coding change: c.2721T>C on transcript NM_024753.5 (MANE Select); coding-DNA position 2721, T replaced by C.
Protein change: p.Tyr907=; no amino-acid change (tyrosine 907 retained).
Molecular consequence: synonymous variant.
Genome position (GRCh38, 1-based): chr2:165,901,758, A>G on the plus strand (T>C on the coding strand, the complement: TTC21B is on the minus strand). VCF-style: chr2-165901758-A-G. GRCh37 (hg19) VCF-style: chr2-166758268-A-G.
Other names: c.2721T>C (NM_024753.4).
Identifiers: ClinVar variation 1633425 (VCV001633425.9), dbSNP rs369005097, ClinGen allele CA1941747.